The following is an entry in ClinVar:

ClinVar aggregate classification (germline): Pathogenic. Review status: criteria provided, multiple submitters, no conflicts (2 of 4 stars). 6 submissions from 6 submitters: Pathogenic (3). 3 of the submissions do not count toward it. Last evaluated 2025-12-17.

Conditions:
CEP290-related disorder. Also called: CEP290-related disorders; CEP290-related condition. Identifiers: MedGen CN239314.
Meckel-Gruber syndrome. Also called: DYSENCEPHALIA SPLANCHNOCYSTICA; GRUBER SYNDROME; Dysencephalia splachnocystica. Identifiers: Orphanet 564, MedGen C0265215, MONDO:0018921.
Nephronophthisis. Also called: Juvenile Nephronophthisis. Identifiers: Orphanet 655, MedGen C0687120, MONDO:0019005, HP:0000090.
Joubert syndrome. Also called: CEREBELLOPARENCHYMAL DISORDER IV; Familial aplasia of the vermis; JOUBERT-BOLTSHAUSER SYNDROME. Identifiers: Orphanet 475, MedGen C5979921, MONDO:0018772.
Meckel syndrome, type 4 (MKS4). Also called: MECKEL-GRUBER SYNDROME, TYPE 4. Identifiers: Orphanet 564, MedGen C1970161, MONDO:0012626, OMIM 611134.
Bardet-Biedl syndrome 14 (BBS14). Identifiers: Orphanet 110, MedGen C2673874, MONDO:0014442, OMIM 615991.
Leber congenital amaurosis 10 (LCA10). Identifiers: Orphanet 65, MedGen C1857821, MONDO:0012723, OMIM 611755.
Senior-Loken syndrome 6 (SLSN6). Identifiers: Orphanet 3156, MedGen C1857779, MONDO:0012433, OMIM 610189.
Joubert syndrome 5 (JBTS5). Identifiers: Orphanet 2318, MedGen C1857780, MONDO:0012432, OMIM 610188.
Leber congenital amaurosis (LCA). Also called: Leber's amaurosis. Identifiers: Orphanet 65, MedGen C0339527, MeSH D057130, MONDO:0018998.

Allele frequency attached by ClinVar (database versions not stated): gnomAD exomes below 0.00001; TOPMed below 0.00001.

Submissions (6):

Labcorp Genetics (formerly Invitae), Labcorp
Classification: Pathogenic for Joubert syndrome; Meckel-Gruber syndrome; Nephronophthisis. Last evaluated: 2025-12-17. Review status: criteria provided, single submitter. Criteria: Invitae Variant Classification Sherloc (09022015). Collection method: clinical testing. Allele origin: germline.
Comment: This sequence change creates a premature translational stop signal (p.Gln1591*) in the CEP290 gene. It is expected to result in an absent or disrupted protein product. Loss-of-function variants in CEP290 are known to be pathogenic (PMID: 16909394, 17345604, 20690115). This variant is not present in population databases (gnomAD no frequency). This premature translational stop signal has been observed in individual(s) with CEP290-related conditions (PMID: 16682973, 24474277). This variant is also known as p.Q1597*. ClinVar contains an entry for this variant (Variation ID: 99856). Algorithms developed to predict the effect of sequence changes on RNA splicing suggest that this variant may disrupt the consensus splice site. For these reasons, this variant has been classified as Pathogenic.

Fulgent Genetics
Classification: Pathogenic for Joubert syndrome 5; Senior-Loken syndrome 6; Meckel syndrome, type 4; Leber congenital amaurosis 10; Bardet-Biedl syndrome 14. Last evaluated: 2024-03-26. Review status: criteria provided, single submitter. Criteria: ACMG Guidelines, 2015. Collection method: clinical testing. Allele origin: germline.

Baylor Genetics
Classification: Pathogenic for Bardet-Biedl syndrome 14. Last evaluated: 2024-01-30. Review status: criteria provided, single submitter. Criteria: ACMG Guidelines, 2015. Collection method: clinical testing. Allele origin: unknown.

PreventionGenetics, part of Exact Sciences
Classification: Pathogenic for CEP290-related condition. Last evaluated: 2024-01-18. Review status: no assertion criteria provided. Collection method: clinical testing. Allele origin: germline. Not counted in ClinVar's aggregate classification.
Comment: The CEP290 c.4771C>T variant is predicted to result in premature protein termination (p.Gln1591*). This variant was reported in the homozygous state in an individual with Leber congenital amaurosis (Beryozkin et al. 2014. PubMed ID: 24474277) and in the heterozygous state without a second identified variant in two relatives with Joubert syndrome (Sayer et al. 2006. PubMed ID: 16682973). This variant has not been reported in a large population database, indicating this variant is rare. Nonsense variants in CEP290 are expected to be pathogenic. This variant is interpreted as pathogenic.

Sharon lab, Hadassah-Hebrew University Medical Center
Classification: Pathogenic for Leber congenital amaurosis. Last evaluated: 2019-06-23. Review status: no assertion criteria provided. Collection method: research. Allele origin: inherited. Affected: yes. Not counted in ClinVar's aggregate classification.

Retina International
No classification provided. Review status: no classification provided. Collection method: not provided. Allele origin: not provided. Not counted in ClinVar's aggregate classification.

Literature cited by the submitters: PubMed 16909394 (cited by Labcorp Genetics (formerly Invitae), Labcorp); PubMed 17345604 (cited by Labcorp Genetics (formerly Invitae), Labcorp); PubMed 20690115 (cited by Labcorp Genetics (formerly Invitae), Labcorp); PubMed 16682973 (cited by Labcorp Genetics (formerly Invitae), Labcorp); PubMed 24474277 (cited by Labcorp Genetics (formerly Invitae), Labcorp).

NM_025114.4(CEP290):c.4771C>T (p.Gln1591Ter)

Gene: CEP290 (centrosomal protein 290; minus strand). Cytogenetic location: 12q21.32.
Variant type: single nucleotide variant.
Coding change: c.4771C>T on transcript NM_025114.4 (MANE Select); coding-DNA position 4771, C replaced by T.
Protein change: p.Gln1591Ter; replaces glutamine 1591 with a stop codon.
Molecular consequence: nonsense.
Genome position (GRCh38, 1-based): chr12:88,083,888, G>A on the plus strand (C>T on the coding strand, the complement: CEP290 is on the minus strand). VCF-style: chr12-88083888-G-A. GRCh37 (hg19) VCF-style: chr12-88477665-G-A.
Other names: short protein forms Q1591*.
Identifiers: ClinVar variation 99856 (VCV000099856.14), dbSNP rs62640574, ClinGen allele CA227973.